The following is an entry in ClinVar:

ClinVar aggregate classification (germline): Uncertain significance (1 of 4 stars; one submission).

Conditions:
Evans syndrome, immunodeficiency, and premature immunosenescence associated with tripeptidyl-peptidase II deficiency. Identifiers: MedGen CN231723. Disease mechanism: loss of function.

Submission:

Labcorp Genetics (formerly Invitae), Labcorp
Classification: Uncertain significance for Evans syndrome, immunodeficiency, and premature immunosenescence associated with tripeptidyl-peptidase II deficiency. Last evaluated: 2022-04-01. Review status: criteria provided, single submitter. Criteria: Invitae Variant Classification Sherloc (09022015). Collection method: clinical testing. Allele origin: germline.
Comment: In summary, the available evidence is currently insufficient to determine the role of this variant in disease. Therefore, it has been classified as a Variant of Uncertain Significance. Algorithms developed to predict the effect of missense changes on protein structure and function are either unavailable or do not agree on the potential impact of this missense change (SIFT: "Deleterious"; PolyPhen-2: "Probably Damaging"; Align-GVGD: "Class C0"). This variant has not been reported in the literature in individuals affected with TPP2-related conditions. This variant is not present in population databases (gnomAD no frequency). This sequence change replaces glycine, which is neutral and non-polar, with glutamic acid, which is acidic and polar, at codon 60 of the TPP2 protein (p.Gly60Glu).

NM_001330588.2(TPP2):c.179G>A (p.Gly60Glu)

Gene: TPP2 (tripeptidyl peptidase 2; plus strand). Cytogenetic location: 13q33.1.
Variant type: single nucleotide variant.
Coding change: c.179G>A on transcript NM_001330588.2 (MANE Select); coding-DNA position 179, G replaced by A.
Protein change: p.Gly60Glu; replaces glycine 60 with glutamic acid.
Molecular consequence: missense variant. On other transcripts: non-coding transcript variant (1).
Genome position (GRCh38, 1-based): chr13:102,604,806, G>A. VCF-style: chr13-102604806-G-A. GRCh37 (hg19) VCF-style: chr13-103257156-G-A.
Other names: c.179G>A, p.Gly60Glu (NM_001367947.1, NM_003291.4); short protein forms G60E.
Identifiers: ClinVar variation 2120248 (VCV002120248.4), dbSNP rs2503816699, ClinGen allele CA388677105.
Genomic context (GRCh38, chr13:102,604,806, plus strand): 5'-AAAAACCTAAAATCTACCATTCATATTTTAATTTTCTTAATTTTCAGGTTACAACTGATG[G>A]AAAACCAAAAATCGTTGATATCATTGATACAACAGGAAGTGGCGATGTGAATACTGCTAC-3'
Protein context (NP_001317517.1, residues 50-70): GAPGMQVTTD[Gly60Glu]KPKIVDIIDT